The following is an entry in ClinVar:

ClinVar aggregate classification (germline): Uncertain significance (1 of 4 stars; one submission).

Conditions:
Hereditary cancer-predisposing syndrome. Also called: Neoplastic Syndromes, Hereditary; Tumor predisposition; Hereditary Cancer Syndrome; Hereditary neoplastic syndrome. Identifiers: Orphanet 140162, MedGen C0027672, MeSH D009386, MONDO:0015356.

Submission:

Ambry Genetics
Classification: Uncertain significance for Hereditary cancer-predisposing syndrome. Last evaluated: 2026-06-02. Review status: criteria provided, single submitter. Criteria: Ambry Variant Classification Scheme 2023. Collection method: clinical testing. Allele origin: germline.
Comment: The c.759+4G>A intronic variant results from a G to A substitution 4 nucleotides after coding exon 4 in the PDGFRA gene. This nucleotide position is not well conserved in available vertebrate species. In silico splice site analysis predicts that this alteration will not have any significant effect on splicing. Based on the available evidence, the clinical significance of this variant remains unclear.

NM_006206.6(PDGFRA):c.759+4G>A

Gene: PDGFRA (platelet derived growth factor receptor alpha; plus strand). Cytogenetic location: 4q12.
Variant type: single nucleotide variant.
Coding change: c.759+4G>A on transcript NM_006206.6 (MANE Select); 4 bases into the intron after coding-DNA position 759, G replaced by A.
Molecular consequence: intron variant.
Genome position (GRCh38, 1-based): chr4:54,265,053, G>A. VCF-style: chr4-54265053-G-A. GRCh37 (hg19) VCF-style: chr4-55131220-G-A.
Other names: c.834+4G>A (NM_001347828.2); c.759+4G>A (NM_001347827.2, NM_001347829.2); c.798+4G>A (NM_001347830.2).
Identifiers: ClinVar variation 4861751 (VCV004861751.1).